The following is an entry in ClinVar:

NM_001370100.5(ZMYND11):c.1604G>A (p.Cys535Tyr)

Genes: ZMYND11 (zinc finger MYND-type containing 11; plus strand), LOC126860802 (BRD4-independent group 4 enhancer GRCh37_chr10:294268-295467; plus strand). Cytogenetic location: 10p15.3.
Variant type: single nucleotide variant.
Coding change: c.1604G>A on transcript NM_001370100.5 (MANE Select); coding-DNA position 1604, G replaced by A.
Protein change: p.Cys535Tyr; replaces cysteine 535 with tyrosine.
Molecular consequence: missense variant. On other transcripts: non-coding transcript variant (1).
Genome position (GRCh38, 1-based): chr10:249,006, G>A. VCF-style: chr10-249006-G-A. GRCh37 (hg19) VCF-style: chr10-294946-G-A.
Other names: c.1442G>A, p.Cys481Tyr (NM_001202464.3, NM_001202467.1, NM_001370103.2 and 6 more transcripts); c.1349G>A, p.Cys450Tyr (NM_001202465.3, NM_001370110.2); c.1439G>A, p.Cys480Tyr (NM_001202466.3, NM_001370111.2); c.1604G>A, p.Cys535Tyr (NM_001202468.1, NM_001370097.3, NM_001370098.2 and 4 more transcripts); c.1553G>A, p.Cys518Tyr (NM_001330057.3, NM_001370112.2); c.1511G>A, p.Cys504Tyr (NM_001370113.2, NM_001370114.2); c.1601G>A, p.Cys534Tyr (NM_001370115.2, NM_212479.4); c.1538G>A, p.Cys513Tyr (NM_001370116.2); and 8 more; short protein forms C378Y, C416Y, C433Y, C441Y, C450Y, C459Y, C480Y, C481Y.
Identifiers: ClinVar variation 3355948 (VCV003355948.1).

ClinVar aggregate classification (germline): Uncertain significance (0 of 4 stars; one submission).

Conditions:
ZMYND11-related disorder. Also called: ZMYND11-related condition.

gnomAD v4.1: 1 of 1,614,202 alleles (0.000062%); highest among the groups gnomAD compares: Non-Finnish European, 0.000085%; no homozygotes.

Submission:

PreventionGenetics, part of Exact Sciences
Classification: Uncertain significance for ZMYND11-related condition. Last evaluated: 2024-09-19. Review status: no assertion criteria provided. Collection method: clinical testing. Allele origin: germline.
Comment: The ZMYND11 c.1604G>A variant is predicted to result in the amino acid substitution p.Cys535Tyr. To our knowledge, this variant has not been reported in the literature. This variant was absent in gnomAD v2 (as displayed in the table above). However, in gnomAD v4 (available only on GRCh38), this variant is reported in 0.00008% of alleles in individuals of European (Non-Finish) descent in gnomAD, indicating this variant is unlikely to be de novo in this patient. At this time, the clinical significance of this variant is uncertain due to the absence of conclusive functional and genetic evidence.